The following is an entry in ClinVar:

ClinVar aggregate classification (germline): Benign. Review status: criteria provided, multiple submitters, no conflicts (2 of 4 stars). 4 submissions from 3 submitters: Benign (4). Last evaluated 2021-05-12.

Conditions:
Familial spontaneous pneumothorax (PSP). Identifiers: Orphanet 2903, MedGen C1868193, MONDO:0008259, OMIM 173600.
Birt-Hogg-Dube syndrome. Also called: Birt Hogg Dubé syndrome. Identifiers: Orphanet 122, MedGen C0346010, MONDO:0800444.

Allele frequency attached by ClinVar (database versions not stated): gnomAD exomes 0.02088; gnomAD 0.09454 and 0.09952; TOPMed 0.10577; 1000 Genomes Project 0.12600; 1000 Genomes Project 30x 0.13039.
gnomAD v4.1: 19,365 of 392,042 alleles (4.9%); highest among the groups gnomAD compares: African/African-American, 31%; 2,635 homozygotes.

Submissions (4):

GeneDx
Classification: Benign. Last evaluated: 2021-05-12. Review status: criteria provided, single submitter. Criteria: GeneDx Variant Classification Process June 2021. Collection method: clinical testing. Allele origin: germline. Affected: yes.

Illumina Laboratory Services, Illumina
Classification: Benign for Birt-Hogg-Dube syndrome 1. Last evaluated: 2018-01-12. Review status: criteria provided, single submitter. Criteria: ICSL Variant Classification Criteria 13 December 2019. Collection method: clinical testing. Allele origin: germline.
Comment: This variant was observed in the ICSL laboratory as part of a predisposition screen in an ostensibly healthy population. It had not been previously curated by ICSL or reported in the Human Gene Mutation Database (HGMD: prior to June 1st, 2018), and was therefore a candidate for classification through an automated scoring system. Utilizing variant allele frequency, disease prevalence and penetrance estimates, and inheritance mode, an automated score was calculated to assess if this variant is too frequent to cause the disease. Based on the score and internal cut-off values, a variant classified as benign is not then subjected to further curation. The score for this variant resulted in a classification of benign for this disease.

Illumina Laboratory Services, Illumina
Classification: Benign for Familial spontaneous pneumothorax. Last evaluated: 2018-01-12. Review status: criteria provided, single submitter. Criteria: ICSL Variant Classification Criteria 13 December 2019. Collection method: clinical testing. Allele origin: germline.
Comment: the same text as in the submission from Illumina Laboratory Services, Illumina above.

Breakthrough Genomics
Classification: Benign. Review status: criteria provided, single submitter. Criteria: ACMG Guidelines, 2015. Collection method: not provided. Allele origin: germline. Inheritance: Autosomal dominant inheritance. Affected: yes.

NM_144997.7(FLCN):c.*425G>A

Gene: FLCN (folliculin; minus strand). Cytogenetic location: 17p11.2.
Variant type: single nucleotide variant.
Coding change: c.*425G>A on transcript NM_144997.7 (MANE Select); 425 bases downstream of the stop codon, G replaced by A.
Molecular consequence: 3 prime UTR variant.
Genome position (GRCh38, 1-based): chr17:17,213,230, C>T on the plus strand (G>A on the coding strand, the complement: FLCN is on the minus strand). VCF-style: chr17-17213230-C-T. GRCh37 (hg19) VCF-style: chr17-17116544-C-T.
Other names: c.*425G>A (LRG_325t1, NM_001353229.2, NM_001353230.2 and 1 more transcripts).
Identifiers: ClinVar variation 322052 (VCV000322052.7), dbSNP rs7224335, ClinGen allele CA10639013.